The following is an entry in ClinVar:

NM_024334.3(TMEM43):c.317A>G (p.Tyr106Cys)

Gene: TMEM43 (transmembrane protein 43; plus strand). Cytogenetic location: 3p25.1.
Variant type: single nucleotide variant.
Coding change: c.317A>G on transcript NM_024334.3 (MANE Select); coding-DNA position 317, A replaced by G.
Protein change: p.Tyr106Cys; replaces tyrosine 106 with cysteine.
Molecular consequence: missense variant.
Genome position (GRCh38, 1-based): chr3:14,131,599, A>G. VCF-style: chr3-14131599-A-G. GRCh37 (hg19) VCF-style: chr3-14173099-A-G.
Other names: c.317A>G (NM_024334.2); short protein forms Y106C.
Identifiers: ClinVar variation 1397226 (VCV001397226.4), dbSNP rs747310600, ClinGen allele CA052854.

ClinVar aggregate classification (germline): Uncertain significance. Review status: criteria provided, multiple submitters, no conflicts (2 of 4 stars). 2 submissions from 2 submitters: Uncertain significance (2). Last evaluated 2023-07-17.

Conditions:
Arrhythmogenic right ventricular dysplasia 5. Also called: ARRHYTHMOGENIC RIGHT VENTRICULAR DYSPLASIA, FAMILIAL, 5; Arrhythmogenic Right Ventricular Dysplasia/Cardiomyopathy 5. Identifiers: MedGen C1858379, MONDO:0011459, OMIM 604400.

Allele frequency attached by ClinVar (database versions not stated): TOPMed below 0.00001; ExAC 0.00001; gnomAD 0.00001; gnomAD exomes 0.00002.
gnomAD v4.1: 31 of 1,614,012 alleles (0.0019%); highest among the groups gnomAD compares: South Asian, 0.033%; 1 homozygote.

Submissions (2):

Victorian Clinical Genetics Services, Murdoch Childrens Research Institute
Classification: Uncertain significance for Arrhythmogenic right ventricular dysplasia 5. Last evaluated: 2023-07-17. Review status: criteria provided, single submitter. Criteria: ACMG Guidelines, 2015. Collection method: clinical testing. Allele origin: germline. Inheritance: Autosomal dominant inheritance.
Comment: Based on the classification scheme VCGS_Germline_v1.3.4, this variant is classified as VUS-3B. Following criteria are met: 0105 - The mechanism of disease for this gene is not clearly established. Loss-of-function is a suspected mechanism (PMID: 25343256). (I) 0107 - This gene is associated with autosomal dominant disease. (I) 0200 - Variant is predicted to result in a missense amino acid change from tyrosine to cysteine. (I) 0251 - This variant is heterozygous. (I) 0302 - Variant is present in gnomAD (v2 & v3) <0.001 for a dominant condition (5 heterozygotes, 0 homozygotes). (SP) 0501 - Missense variant consistently predicted to be damaging by multiple in silico tools or highly conserved with a major amino acid change. (SP) 0604 - Variant is not located in an established domain, motif, hotspot or informative constraint region. (I) 0710 - Another missense variant comparable to the one identified in this case has inconclusive previous evidence for pathogenicity. p.(Tyr106His) has been reported as a VUS by a clinical testing laboratory (ClinVar). (I) 0809 - Previous evidence of pathogenicity for this variant is inconclusive. It has been reported as a VUS by one clinical testing laboratory (ClinVar). It has also been reported as probably pathogenic in an adult with left ventricular non-compaction (PMID: 30471092). (I) 0905 - No published segregation evidence has been identified for this variant. (I) 1007 - No published functional evidence has been identified for this variant. (I) 1208 - Inheritance information for this variant is not currently available in this individual. (I) Legend: (SP) - Supporting pathogenic, (I) - Information, (SB) - Supporting benign

Labcorp Genetics (formerly Invitae), Labcorp
Classification: Uncertain significance for Arrhythmogenic right ventricular dysplasia 5. Last evaluated: 2021-12-03. Review status: criteria provided, single submitter. Criteria: Invitae Variant Classification Sherloc (09022015). Collection method: clinical testing. Allele origin: germline.
Comment: This sequence change replaces tyrosine, which is neutral and polar, with cysteine, which is neutral and slightly polar, at codon 106 of the TMEM43 protein (p.Tyr106Cys). This variant is present in population databases (rs747310600, gnomAD 0.02%). This missense change has been observed in individual(s) with clinical features of TMEM43-related conditions (PMID: 30471092). Algorithms developed to predict the effect of missense changes on protein structure and function are either unavailable or do not agree on the potential impact of this missense change (SIFT: "Deleterious"; PolyPhen-2: "Probably Damaging"; Align-GVGD: "Class C0"). In summary, the available evidence is currently insufficient to determine the role of this variant in disease. Therefore, it has been classified as a Variant of Uncertain Significance.

Literature cited by the submitters: PubMed 25343256 (cited by Victorian Clinical Genetics Services, Murdoch Childrens Research Institute); PubMed 30471092 (cited by Victorian Clinical Genetics Services, Murdoch Childrens Research Institute and Labcorp Genetics (formerly Invitae), Labcorp).